The following is an entry in ClinVar:

NM_015978.3(TNNI3K):c.334-4A>G

Genes: FPGT-TNNI3K (FPGT-TNNI3K readthrough; plus strand), TNNI3K (TNNI3 interacting kinase; plus strand). Cytogenetic location: 1p31.1.
Variant type: single nucleotide variant.
Coding change: c.334-4A>G on transcript NM_015978.3 (MANE Select); 4 bases into the intron before coding-DNA position 334, A replaced by G.
Molecular consequence: intron variant.
Genome position (GRCh38, 1-based): chr1:74,271,594, A>G. VCF-style: chr1-74271594-A-G. GRCh37 (hg19) VCF-style: chr1-74737278-A-G.
Other names: c.637-4A>G (NM_001112808.3, NM_001199327.2).
Identifiers: ClinVar variation 4696079 (VCV004696079.3).

ClinVar aggregate classification (germline): Conflicting classifications of pathogenicity. Review status: criteria provided, conflicting classifications (1 of 4 stars). 2 submissions from 2 submitters: Uncertain significance (1); Likely benign (1). Last evaluated 2025-07-23.

gnomAD v4.1: 2 of 1,591,956 alleles (0.00013%); highest among the groups gnomAD compares: Non-Finnish European, 0.00017%; no homozygotes.

Submissions (2):

Dasa
Classification: Uncertain significance. Last evaluated: 2025-07-23. Review status: criteria provided, single submitter. Criteria: DASA Assertion Criteria. Collection method: clinical testing. Allele origin: germline.
Comment: NM_015978.3(TNNI3K):c.334-4A>G is a splice-region variant. This variant is rare in population databases. Computational prediction algorithms are consistent with a benign effect. The currently available literature and clinical evidence are not sufficient to establish a definitive association between this variant and the reported condition. Therefore, this variant is classified as a variant of uncertain significance.

Labcorp Genetics (formerly Invitae), Labcorp
Classification: Likely benign. Last evaluated: 2025-05-20. Review status: criteria provided, single submitter. Criteria: Invitae Variant Classification Sherloc (09022015). Collection method: clinical testing. Allele origin: germline.